The following is an entry in ClinVar:

ClinVar aggregate classification (germline): Uncertain significance (1 of 4 stars; one submission).

Submission:

Labcorp Genetics (formerly Invitae), Labcorp
Classification: Uncertain significance. Last evaluated: 2025-11-23. Review status: criteria provided, single submitter. Criteria: Invitae Variant Classification Sherloc (09022015). Collection method: clinical testing. Allele origin: germline.
Comment: This sequence change replaces lysine, which is basic and polar, with glutamic acid, which is acidic and polar, at codon 485 of the MYH3 protein (p.Lys485Glu). This variant is not present in population databases (gnomAD no frequency). This variant has not been reported in the literature in individuals affected with MYH3-related conditions. Invitae Evidence Modeling of protein sequence and biophysical properties (such as structural, functional, and spatial information, amino acid conservation, physicochemical variation, residue mobility, and thermodynamic stability) has been performed for this missense variant. However, the output from this modeling did not meet the statistical confidence thresholds required to predict the impact of this variant on MYH3 protein function. In summary, the available evidence is currently insufficient to determine the role of this variant in disease. Therefore, it has been classified as a Variant of Uncertain Significance.

NM_002470.4(MYH3):c.1453A>G (p.Lys485Glu)

Gene: MYH3 (myosin heavy chain 3; minus strand). Cytogenetic location: 17p13.1.
Variant type: single nucleotide variant.
Coding change: c.1453A>G on transcript NM_002470.4 (MANE Select); coding-DNA position 1453, A replaced by G.
Protein change: p.Lys485Glu; replaces lysine 485 with glutamic acid.
Molecular consequence: missense variant.
Genome position (GRCh38, 1-based): chr17:10,642,954, T>C on the plus strand (A>G on the coding strand, the complement: MYH3 is on the minus strand). VCF-style: chr17-10642954-T-C. GRCh37 (hg19) VCF-style: chr17-10546271-T-C.
Other names: short protein forms K485E.
Identifiers: ClinVar variation 4800680 (VCV004800680.1).